The following is an entry in ClinVar:

NM_014444.5(TUBGCP4):c.547A>G (p.Met183Val)

Gene: TUBGCP4 (tubulin gamma complex component 4; plus strand). Cytogenetic location: 15q15.3.
Variant type: single nucleotide variant.
Coding change: c.547A>G on transcript NM_014444.5 (MANE Select); coding-DNA position 547, A replaced by G.
Protein change: p.Met183Val; replaces methionine 183 with valine.
Molecular consequence: missense variant.
Genome position (GRCh38, 1-based): chr15:43,383,328, A>G. VCF-style: chr15-43383328-A-G. GRCh37 (hg19) VCF-style: chr15-43675526-A-G.
Other names: c.547A>G, p.Met183Val (NM_001286414.3); short protein forms M183V.
Identifiers: ClinVar variation 1057598 (VCV001057598.9), dbSNP rs2142799675, ClinGen allele CA392119646.
Genomic context (GRCh38, chr15:43,383,328, plus strand): 5'-TGACTTCTGAGCCTCTTACTTTCTACTCTGCCCAGAATCCTGGCCGTTTGTCATGGGGTC[A>G]TGTATAAACAGCTCTCAGCCTGGATGCTCCATGGACTCCTCTTGGACCAGCATGAAGAAT-3'
Protein context (NP_055259.2, residues 173-193): EKILAVCHGV[Met183Val]YKQLSAWMLH

ClinVar aggregate classification (germline): Uncertain significance (1 of 4 stars; one submission).

Allele frequency attached by ClinVar (database versions not stated): gnomAD exomes below 0.00001.

Submission:

Labcorp Genetics (formerly Invitae), Labcorp
Classification: Uncertain significance. Last evaluated: 2024-10-08. Review status: criteria provided, single submitter. Criteria: Invitae Variant Classification Sherloc (09022015). Collection method: clinical testing. Allele origin: germline.
Comment: This sequence change replaces methionine, which is neutral and non-polar, with valine, which is neutral and non-polar, at codon 183 of the TUBGCP4 protein (p.Met183Val). This variant is not present in population databases (gnomAD no frequency). This variant has not been reported in the literature in individuals affected with TUBGCP4-related conditions. ClinVar contains an entry for this variant (Variation ID: 1057598). Invitae Evidence Modeling of protein sequence and biophysical properties (such as structural, functional, and spatial information, amino acid conservation, physicochemical variation, residue mobility, and thermodynamic stability) indicates that this missense variant is not expected to disrupt TUBGCP4 protein function with a negative predictive value of 80%. In summary, the available evidence is currently insufficient to determine the role of this variant in disease. Therefore, it has been classified as a Variant of Uncertain Significance.